The following is an entry in ClinVar:

ClinVar aggregate classification (germline): Pathogenic. Review status: reviewed by expert panel (3 of 4 stars). 5 submissions from 5 submitters: Pathogenic (1). 4 of the submissions do not count toward it. Last evaluated 2025-07-29.

Conditions:
Autosomal recessive limb-girdle muscular dystrophy. Identifiers: Orphanet 102015, MedGen C2931907, MONDO:0015152.
DYSF-related disorder. Also called: DYSF-related condition; DYSF-related disorders.
Autosomal recessive limb-girdle muscular dystrophy type 2B (LGMDR2). Also called: MUSCULAR DYSTROPHY, LIMB-GIRDLE, AUTOSOMAL RECESSIVE 2; Limb-Girdle Muscular Dystrophy Type 2B (LGMD2B); MUSCULAR DYSTROPHY, LIMB-GIRDLE, TYPE 3; Limb-girdle muscular dystrophy, type 2B. Identifiers: Orphanet 268, MedGen C1850889, MONDO:0009676, OMIM 253601.

Allele frequency attached by ClinVar (database versions not stated): gnomAD exomes below 0.00001.

Submissions (5):

ClinGen Limb Girdle Muscular Dystrophy Variant Curation Expert Panel, ClinGen
Classification: Pathogenic for Autosomal recessive limb-girdle muscular dystrophy. Last evaluated: 2025-07-29. Review status: reviewed by expert panel. Criteria: ClinGen LGMD VCEP ACMG Specifications DYSF V1.0.0. Collection method: curation. Allele origin: germline. Inheritance: Autosomal recessive inheritance.
Comment: The NM_003494.4: c.2894G>A p.(Trp965Ter) variant in DYSF, which is also known as NM_001130987.2: c.2948G>A p.(Trp983Ter), is a nonsense variant predicted to cause a premature stop codon in biologically relevant exon 27/55, leading to nonsense mediated decay in a gene in which loss of function is an established disease mechanism (PVS1). This variant has been reported in at least two patients with features consistent with LGMD (PMID: 18853459, 36983702), including confirmed in trans with a likely pathogenic or pathogenic variant (NM_003494.4: c.757C>T p.(Arg253Trp), 1.0 pt, PMID: 36983702; PM3). At least one individual with this variant and a second DYSF variant displayed progressive proximal muscle weakness and severely reduced dysferlin protein expression in skeletal muscle or blood monocytes, which is highly specific for DYSF-related LGMD (PMID: 18853459, 36983702; PP4_Strong). This variant is absent from gnomAD v4.1.0 (PM2_Supporting). In summary, this variant meets the criteria to be classified as Pathogenic for autosomal recessive limb-girdle muscular dystrophy based on the ACMG/AMP criteria applied, as specified by the ClinGen LGMD VCEP (LGMD VCEP specifications version 1.0.0; 07/29/2025): PVS1, PM3, PP4_Strong, PM2_Supporting.

GeneDx
Classification: Pathogenic. Last evaluated: 2026-01-26. Review status: criteria provided, single submitter. Criteria: GeneDx Variant Classification Process June 2021. Collection method: clinical testing. Allele origin: germline. Not counted in ClinVar's aggregate classification.
Comment: Reported with a second DYSF variant in a patient with limb girdle muscular dystrophy and severely reduced DYSF protein expression in published literature; however, segregation information was not provided (PMID: 18853459); Nonsense variant predicted to result in protein truncation or nonsense mediated decay in a gene for which loss of function is a known mechanism of disease; Not observed at significant frequency in large population cohorts (gnomAD); This variant is associated with the following publications: (PMID: 25525159, 33927379, 39678382, 40565111, 18853459, 36983702)

Natera, Inc.
Classification: Pathogenic for Limb-girdle muscular dystrophy type 2B. Last evaluated: 2025-03-17. Review status: criteria provided, single submitter. Criteria: Natera Variant Classification Schema (03/2026). Collection method: clinical testing. Allele origin: germline. Not counted in ClinVar's aggregate classification.
Comment: The c.2894G>A variant in DYSF is a nonsense variant predicted to introduce a stop codon at amino acid 965. This variant is expected to result in nonsense mediated decay, truncation, or a dysfunctional protein product. This variant is rare in the general population with a frequency below the threshold expected for the associated phenotype(s). This variant has been observed in one or more individuals affected with the associated recessive disease, as either homozygous or compound heterozygous with a second variant (PMID: 18853459). Given the available evidence, this variant is classified as Pathogenic.

Eurofins Ntd Llc (ga)
Classification: Pathogenic. Last evaluated: 2016-11-28. Review status: criteria provided, single submitter. Criteria: EGL Classification Definitions 2015. Collection method: clinical testing. Allele origin: germline. Observed: 1 variant allele, 1 heterozygote. Not counted in ClinVar's aggregate classification.

PreventionGenetics, part of Exact Sciences
Classification: Pathogenic for DYSF-related condition. Last evaluated: 2024-06-17. Review status: no assertion criteria provided. Collection method: clinical testing. Allele origin: germline. Not counted in ClinVar's aggregate classification.
Comment: The DYSF c.2894G>A variant is predicted to result in premature protein termination (p.Trp965*). This variant has been reported in the compound heterozygous state in individuals with limb girdle muscular dystrophy or dysferlinopathy (Krahn et al 2009. PubMed ID: 18853459, Table S2, Charnay et al. 2021. PubMed ID: 33927379). This variant is reported in 0.00088% of alleles in individuals of European (non-Finnish) descent in gnomAD. Nonsense variants in DYSF are expected to be pathogenic. This variant is interpreted as pathogenic.

Literature cited by the submitters: PubMed 18853459 (cited by Natera, Inc.).

NM_001130987.2(DYSF):c.2948G>A (p.Trp983Ter)

Gene: DYSF (dysferlin; plus strand). Cytogenetic location: 2p13.2.
Variant type: single nucleotide variant.
Coding change: c.2948G>A on transcript NM_001130987.2 (MANE Select); coding-DNA position 2948, G replaced by A.
Protein change: p.Trp983Ter; replaces tryptophan 983 with a stop codon.
Molecular consequence: nonsense.
Genome position (GRCh38, 1-based): chr2:71,569,903, G>A. VCF-style: chr2-71569903-G-A. GRCh37 (hg19) VCF-style: chr2-71797033-G-A.
Other names: NM_001130987.2(DYSF):c.2948G>A; p.Trp983Ter; c.2894G>A (NM_003494.3); c.2897G>A, p.Trp966Ter (NM_001130455.2, NM_001130983.2); c.2852G>A, p.Trp951Ter (NM_001130976.2, NM_001130977.2); c.2894G>A, p.Trp965Ter (NM_001130978.2, NM_003494.4); c.2987G>A, p.Trp996Ter (NM_001130979.2); c.2945G>A, p.Trp982Ter (NM_001130980.2, NM_001130981.2); and 3 more; short protein forms W965*, W983*, W966*, W996*, W952*, W982*, W997*, W951*.
Identifiers: ClinVar variation 498353 (VCV000498353.9), dbSNP rs1268594965, ClinGen allele CA347216158.